The following is an entry in ClinVar:

NM_001377.3(DYNC2H1):c.6875dup (p.Glu2293fs)

Gene: DYNC2H1 (dynein cytoplasmic 2 heavy chain 1; plus strand). Cytogenetic location: 11q22.3.
Variant type: Duplication.
Coding change: c.6875dup on transcript NM_001377.3 (MANE Select); coding-DNA position 6875, one base duplicated (C; older notation c.6875dupC).
Protein change: p.Glu2293fs; shifts the reading frame from glutamic acid 2293.
Molecular consequence: frameshift variant.
Genome position (GRCh38, 1-based): chr11:103,186,483, C duplicated; the last of 2 consecutive C bases (chr11:103,186,482-103,186,483); duplicating either gives the same sequence. VCF-style (leftmost placement, unchanged base first): chr11-103186481-A-AC. GRCh37 (hg19) VCF-style: chr11-103057210-A-AC.
Other names: c.6875dup, p.Glu2293fs (NM_001080463.2); short protein forms E2293fs.
Identifiers: ClinVar variation 2716138 (VCV002716138.4), dbSNP rs2496281483, ClinGen allele CA2697548932.

ClinVar aggregate classification (germline): Pathogenic (1 of 4 stars; one submission).

Conditions:
Jeune thoracic dystrophy. Also called: Jeune syndrome; Infantile thoracic dystrophy; Thoracic pelvic phalangeal dystrophy; Jeune's syndrome; Chondroectodermal dysplasia-like syndrome; Short-rib thoracic dysplasia. Identifiers: Orphanet 474, MedGen C0265275, MONDO:0018770.

Submission:

Labcorp Genetics (formerly Invitae), Labcorp
Classification: Pathogenic for Jeune thoracic dystrophy. Last evaluated: 2023-12-18. Review status: criteria provided, single submitter. Criteria: Invitae Variant Classification Sherloc (09022015). Collection method: clinical testing. Allele origin: germline.
Comment: This sequence change creates a premature translational stop signal (p.Glu2293Argfs*27) in the DYNC2H1 gene. It is expected to result in an absent or disrupted protein product. Loss-of-function variants in DYNC2H1 are known to be pathogenic (PMID: 23339108, 32753734, 33755199). This variant is not present in population databases (gnomAD no frequency). This variant has not been reported in the literature in individuals affected with DYNC2H1-related conditions. For these reasons, this variant has been classified as Pathogenic.

Literature cited by the submitters: PubMed 23339108; PubMed 32753734; PubMed 33755199.